The following is an entry in ClinVar:

NM_000252.3(MTM1):c.1353G>A (p.Gln451=)

Gene: MTM1 (myotubularin 1; plus strand). Cytogenetic location: Xq28.
Variant type: single nucleotide variant.
Coding change: c.1353G>A on transcript NM_000252.3 (MANE Select); coding-DNA position 1353, G replaced by A.
Protein change: p.Gln451=; no amino-acid change (glutamine 451 retained).
Molecular consequence: synonymous variant.
Genome position (GRCh38, 1-based): chrX:150,659,756, G>A. VCF-style: chrX-150659756-G-A. GRCh37 (hg19) VCF-style: chrX-149828229-G-A.
Other names: NM_000252.3(MTM1):c.1353G>A; p.Gln451=; c.1353G>A, p.Gln451= (NM_001376906.1, NM_001376908.1); c.1242G>A, p.Gln414= (NM_001376907.1).
Identifiers: ClinVar variation 158923 (VCV000158923.16), dbSNP rs587783781, ClinGen allele CA271787.

ClinVar aggregate classification (germline): Likely pathogenic. Review status: reviewed by expert panel (3 of 4 stars). 3 submissions from 3 submitters: Likely pathogenic (1). 2 of the submissions do not count toward it. Last evaluated 2025-01-13.

Conditions:
Centronuclear myopathy (CNM). Also called: Myotubular myopathy; Centronuclear myopathy, congenital. Identifiers: Orphanet 595, MedGen C0175709, MONDO:0018947. Inheritance: All.
Severe X-linked myotubular myopathy (CNMX). Also called: MYOTUBULAR MYOPATHY 1; X-linked centronuclear myopathy; Myotubular myopathy, X-linked. Identifiers: Orphanet 596, MedGen C0410203, MONDO:0010683, OMIM 310400.

Submissions (3):

ClinGen Congenital Myopathies Variant Curation Expert Panel, ClinGen
Classification: Likely pathogenic for Centronuclear myopathy. Last evaluated: 2025-01-13. Review status: reviewed by expert panel. Criteria: ClinGen CongenMyopathy ACMG Specifications MTM1 V1.0.0. Collection method: curation. Allele origin: germline. Inheritance: X-linked inheritance.
Comment: The NM_000252.3:c.1353G>A variant in MTM1 is a synonymous variant (p.Gln451=) located near the canonical donor site of intron 12. The variant is absent from gnomAD v4.1.0 meeting PM2_Supporting. The silent variant is predicted to impact splicing by SpliceAI (PP3). This variant has been reported in at least three probands, one with myotubular myopathy, one with congenital myopathy and abnormal muscle biopsy, and another with neonatal hypotonia. One of the three was a de novo occurrence with unconfirmed parental relationships (PS4_Moderate, PM6; PMID: 10790201; LabCorp, ClinVar: SCV001391223.5). In summary, the variant meets the criteria to be classified as likely pathogenic for X-linked centronuclear myopathy. ACMG/AMP criteria met, as specified by the ClinGen Congenital Myopathies VCEP: PS4_Moderate, PM6, PM2_Supporting, PP3 (ClinGen Congenital Myopathies VCEP specifications version 1.0.0; 1/13/2025).

Labcorp Genetics (formerly Invitae), Labcorp
Classification: Pathogenic for Severe X-linked myotubular myopathy. Last evaluated: 2022-08-15. Review status: criteria provided, single submitter. Criteria: Invitae Variant Classification Sherloc (09022015). Collection method: clinical testing. Allele origin: germline. Not counted in ClinVar's aggregate classification.
Comment: This sequence change affects codon 451 of the MTM1 mRNA. It is a 'silent' change, meaning that it does not change the encoded amino acid sequence of the MTM1 protein. This variant also falls at the last nucleotide of exon 12, which is part of the consensus splice site for this exon. This variant is not present in population databases (gnomAD no frequency). This variant has been observed in individual(s) with MTM1-related myopathy (PMID: 10790201; Invitae). In at least one individual the variant was observed to be de novo. ClinVar contains an entry for this variant (Variation ID: 158923). Variants that disrupt the consensus splice site are a relatively common cause of aberrant splicing (PMID: 17576681, 9536098). Algorithms developed to predict the effect of sequence changes on RNA splicing suggest that this variant may disrupt the consensus splice site. For these reasons, this variant has been classified as Pathogenic.

Genetic Services Laboratory, University of Chicago
Classification: Uncertain significance for Myotubular myopathy, X-linked. Last evaluated: 2013-02-08. Review status: flagged submission. Criteria: ACMG Guidelines, 2007. Collection method: clinical testing. Allele origin: germline. Inheritance: X-linked inheritance. Not counted in ClinVar's aggregate classification.
ClinVar note: Reason: Older claim that does not account for recent evidence

Literature cited by the submitters: PubMed 10790201 (cited by Labcorp Genetics (formerly Invitae), Labcorp); PubMed 17576681 (cited by Labcorp Genetics (formerly Invitae), Labcorp); PubMed 9536098 (cited by Labcorp Genetics (formerly Invitae), Labcorp).